The following is an entry in ClinVar:

NM_000204.5(CFI):c.482+6C>T

Gene: CFI (complement factor I; minus strand). Cytogenetic location: 4q25.
Variant type: single nucleotide variant.
Coding change: c.482+6C>T on transcript NM_000204.5 (MANE Select); 6 bases into the intron after coding-DNA position 482, C replaced by T.
Molecular consequence: intron variant.
Genome position (GRCh38, 1-based): chr4:109,764,531, G>A on the plus strand (C>T on the coding strand, the complement: CFI is on the minus strand). VCF-style: chr4-109764531-G-A. GRCh37 (hg19) VCF-style: chr4-110685687-G-A.
Other names: p.?; c.482+6C>T (NM_001375282.1, NM_001375280.1, NM_001375281.1 and 5 more transcripts); c.-127-2839C>T (NM_001375284.1).
Identifiers: ClinVar variation 347171 (VCV000347171.22), dbSNP rs79375065, ClinGen allele CA3042264.

ClinVar aggregate classification (germline): Benign/Likely benign. Review status: criteria provided, multiple submitters, no conflicts (2 of 4 stars). 11 submissions from 11 submitters: Benign (8); Likely benign (1). 2 of the submissions do not count toward it. Last evaluated 2026-02-02.

Conditions:
CFI-related disorder. Also called: CFI-related disorders; CFI-related condition. Identifiers: MedGen CN239325.
Atypical hemolytic-uremic syndrome with I factor anomaly. Also called: HEMOLYTIC UREMIC SYNDROME, ATYPICAL, SUSCEPTIBILITY TO, 3; AHUS, SUSCEPTIBILITY TO, 3. Identifiers: Orphanet 2134, MedGen C2752039, MONDO:0013041, OMIM 612923.
Atypical hemolytic-uremic syndrome. Identifiers: Orphanet 2134, MedGen C2931788, MONDO:0016244.

Allele frequency attached by ClinVar (database versions not stated): ESP Exome Variant Server 0.03575; TOPMed 0.03953; 1000 Genomes Project 0.04393; 1000 Genomes Project 30x 0.04419.
gnomAD v4.1: 15,019 of 1,613,760 alleles (0.93%); highest among the groups gnomAD compares: African/African-American, 11%; 491 homozygotes.

Submissions (11):

Labcorp Genetics (formerly Invitae), Labcorp
Classification: Benign. Last evaluated: 2026-02-02. Review status: criteria provided, single submitter. Criteria: Invitae Variant Classification Sherloc (09022015). Collection method: clinical testing. Allele origin: germline.

Women's Health and Genetics/Laboratory Corporation of America, LabCorp
Classification: Benign. Last evaluated: 2026-01-21. Review status: criteria provided, single submitter. Criteria: LabCorp Variant Classification Summary - May 2015. Collection method: clinical testing. Allele origin: germline.

Genomenon, Inc
Classification: Benign for CFI-related disorder. Last evaluated: 2025-09-26. Review status: criteria provided, single submitter. Criteria: Genomenon Sequence Variant Interpretation Standards - Updated. Collection method: curation. Allele origin: germline. Affected: no.
Comment: CFI c.482+6C>T is a splice variant located in the donor splice region of intron 3. This variant is present at high allele frequency in population databases. In conclusion, we classify CFI c.482+6C>T as a benign variant.

Blueprint Genetics
Classification: Likely benign. Last evaluated: 2024-11-20. Review status: criteria provided, single submitter. Criteria: ACMG Guidelines, 2015. Collection method: clinical testing. Allele origin: germline.

Mayo Clinic Laboratories, Mayo Clinic
Classification: Benign. Last evaluated: 2022-10-13. Review status: criteria provided, single submitter. Criteria: ACMG Guidelines, 2015. Collection method: clinical testing. Allele origin: germline. Observed: 210 variant alleles.
Comment: BA1, BP4, BP7

Genome Diagnostics Laboratory, The Hospital for Sick Children
Classification: Benign for Atypical hemolytic-uremic syndrome. Last evaluated: 2022-08-10. Review status: criteria provided, single submitter. Criteria: ACMG Guidelines, 2015. Collection method: clinical testing. Allele origin: germline.

GeneDx
Classification: Benign. Last evaluated: 2019-01-09. Review status: criteria provided, single submitter. Criteria: GeneDx Variant Classification Process June 2021. Collection method: clinical testing. Allele origin: germline. Affected: yes.
Comment: This variant is associated with the following publications: (PMID: 27268256, 29292855)

Illumina Laboratory Services, Illumina
Classification: Benign for Atypical hemolytic-uremic syndrome with I factor anomaly. Last evaluated: 2018-01-12. Review status: criteria provided, single submitter. Criteria: ICSL Variant Classification Criteria 13 December 2019. Collection method: clinical testing. Allele origin: germline.
Comment: This variant was observed in the ICSL laboratory as part of a predisposition screen in an ostensibly healthy population. It had not been previously curated by ICSL or reported in the Human Gene Mutation Database (HGMD: prior to June 1st, 2018), and was therefore a candidate for classification through an automated scoring system. Utilizing variant allele frequency, disease prevalence and penetrance estimates, and inheritance mode, an automated score was calculated to assess if this variant is too frequent to cause the disease. Based on the score and internal cut-off values, a variant classified as benign is not then subjected to further curation. The score for this variant resulted in a classification of benign for this disease.

Breakthrough Genomics
Classification: Benign. Review status: criteria provided, single submitter. Criteria: ACMG Guidelines, 2015. Collection method: not provided. Allele origin: germline. Inheritance: Autosomal recessive inheritance. Affected: yes.

Genome Diagnostics Laboratory, University Medical Center Utrecht
Classification: Benign. Review status: no assertion criteria provided. Collection method: clinical testing. Allele origin: germline. Affected: yes. Study: VKGL Data-share Consensus. Not counted in ClinVar's aggregate classification.

Joint Genome Diagnostic Labs from Nijmegen and Maastricht, Radboudumc and MUMC+
Classification: Benign. Review status: no assertion criteria provided. Collection method: clinical testing. Allele origin: germline. Affected: yes. Study: VKGL Data-share Consensus. Not counted in ClinVar's aggregate classification.

Literature cited by the submitters: PubMed 27268256 (cited by Mayo Clinic Laboratories, Mayo Clinic); PubMed 29292855 (cited by Mayo Clinic Laboratories, Mayo Clinic).